The following is an entry in ClinVar:

ClinVar aggregate classification (germline): Benign/Likely benign. Review status: criteria provided, multiple submitters, no conflicts (2 of 4 stars). 4 submissions from 4 submitters: Benign (2); Likely benign (1). 1 of the submissions does not count toward it. Last evaluated 2025-12-17.

Conditions:
TONSL-related disorder. Also called: TONSL-related condition.

Allele frequency attached by ClinVar (database versions not stated): gnomAD exomes 0.00015 and 0.00031; ExAC 0.00033; 1000 Genomes Project 0.00040; 1000 Genomes Project 30x 0.00047; gnomAD 0.00109 and 0.00116; TOPMed 0.00128; ESP Exome Variant Server 0.00131.

Submissions (4):

Labcorp Genetics (formerly Invitae), Labcorp
Classification: Benign. Last evaluated: 2025-12-17. Review status: criteria provided, single submitter. Criteria: Invitae Variant Classification Sherloc (09022015). Collection method: clinical testing. Allele origin: germline.

Blueprint Genetics
Classification: Likely benign. Last evaluated: 2024-09-04. Review status: criteria provided, single submitter. Criteria: ACMG Guidelines, 2015. Collection method: clinical testing. Allele origin: germline.

Breakthrough Genomics
Classification: Benign. Review status: criteria provided, single submitter. Criteria: ACMG Guidelines, 2015. Collection method: not provided. Allele origin: germline. Inheritance: Autosomal recessive inheritance. Affected: yes.

PreventionGenetics, part of Exact Sciences
Classification: Likely benign for TONSL-related condition. Last evaluated: 2019-12-12. Review status: no assertion criteria provided. Collection method: clinical testing. Allele origin: germline. Not counted in ClinVar's aggregate classification.
Comment: This variant is classified as likely benign based on ACMG/AMP sequence variant interpretation guidelines (Richards et al. 2015 PMID: 25741868, with internal and published modifications).

NM_013432.5(TONSL):c.1191A>G (p.Ala397=)

Gene: TONSL (tonsoku like, DNA repair protein; minus strand). Cytogenetic location: 8q24.3.
Variant type: single nucleotide variant.
Coding change: c.1191A>G on transcript NM_013432.5 (MANE Select); coding-DNA position 1191, A replaced by G.
Protein change: p.Ala397=; no amino-acid change (alanine 397 retained).
Molecular consequence: synonymous variant.
Genome position (GRCh38, 1-based): chr8:144,440,450, T>C on the plus strand (A>G on the coding strand, the complement: TONSL is on the minus strand). VCF-style: chr8-144440450-T-C. GRCh37 (hg19) VCF-style: chr8-145665833-T-C.
Other names: c.1191A>G (NM_013432.4).
Identifiers: ClinVar variation 1663064 (VCV001663064.12), dbSNP rs142838243, ClinGen allele CA4943338.